The following is an entry in ClinVar:

NM_001330078.2(NRXN1):c.3546+227C>T

Gene: NRXN1 (neurexin 1; minus strand). Cytogenetic location: 2p16.3.
Variant type: single nucleotide variant.
Coding change: c.3546+227C>T on transcript NM_001330078.2 (MANE Select); 227 bases into the intron after coding-DNA position 3546, C replaced by T.
Molecular consequence: intron variant.
Genome position (GRCh38, 1-based): chr2:50,236,562, G>A on the plus strand (C>T on the coding strand, the complement: NRXN1 is on the minus strand). VCF-style: chr2-50236562-G-A. GRCh37 (hg19) VCF-style: chr2-50463700-G-A.
Other names: c.3435+227C>T (NM_001330096.2, NM_001330087.2); c.3480+227C>T (NM_001330083.2, NM_001330084.2); c.3465+227C>T (NM_001330088.2); c.3543+227C>T (NM_001330093.2); c.3534+227C>T (NM_001330094.2); c.3495+227C>T (NM_001330095.2); c.3522+227C>T (NM_001330082.2, NM_001330077.2); c.3519+227C>T (NM_001330085.2); and 3 more.
Identifiers: ClinVar variation 667731 (VCV000667731.1), dbSNP rs11889906, ClinGen allele CA47885102.
Genomic context (GRCh38, chr2:50,236,562, plus strand): 5'-CCTAAAGACACTAAAATCACTCCAAAATTTTTTTAAAAATTATTTTGAACACAGAATTAA[G>A]AGGAATTCACACTCCAAAAAAAAAAAAAAAAAGTTTGCATTGTAAAGAACGCGATTAACT-3'

ClinVar aggregate classification (germline): Benign (1 of 4 stars; one submission).

Allele frequency attached by ClinVar (database versions not stated): TOPMed 0.12065; gnomAD 0.13819 and 0.13831; 1000 Genomes Project 30x 0.14866; 1000 Genomes Project 0.14936.
gnomAD v4.1: 18,784 of 136,188 alleles (14%); highest among the groups gnomAD compares: African/African-American, 18%; 1,324 homozygotes.

Submission:

GeneDx
Classification: Benign. Last evaluated: 2018-06-14. Review status: criteria provided, single submitter. Criteria: GeneDx Variant Classification (06012015). Collection method: clinical testing. Allele origin: germline. Affected: yes.
Comment: This variant is considered likely benign or benign based on one or more of the following criteria: it is a conservative change, it occurs at a poorly conserved position in the protein, it is predicted to be benign by multiple in silico algorithms, and/or has population frequency not consistent with disease.